The following is an entry in ClinVar:

ClinVar aggregate classification (germline): Uncertain significance. Review status: criteria provided, multiple submitters, no conflicts (2 of 4 stars). 3 submissions from 3 submitters: Uncertain significance (3). Last evaluated 2025-03-17.

Conditions:
Neurodevelopmental disorder with progressive spasticity and brain white matter abnormalities. Also called: CEREBRAL PALSY, SPASTIC QUADRIPLEGIC, 1. Identifiers: Orphanet 210141, Orphanet 641353, MedGen C5436628, MONDO:0033613, OMIM 619026.
Inborn genetic diseases. Identifiers: MedGen C0950123, MeSH D030342.

Allele frequency attached by ClinVar (database versions not stated): TOPMed 0.00002; gnomAD 0.00003; ExAC 0.00011.
gnomAD v4.1: 71 of 1,613,720 alleles (0.0044%); highest among the groups gnomAD compares: East Asian, 0.04%; no homozygotes.

Submissions (3):

Labcorp Genetics (formerly Invitae), Labcorp
Classification: Uncertain significance for Neurodevelopmental disorder with progressive spasticity and brain white matter abnormalities. Last evaluated: 2025-03-17. Review status: criteria provided, single submitter. Criteria: Invitae Variant Classification Sherloc (09022015). Collection method: clinical testing. Allele origin: germline.
Comment: This sequence change replaces arginine, which is basic and polar, with cysteine, which is neutral and slightly polar, at codon 62 of the GAD1 protein (p.Arg62Cys). This variant is present in population databases (rs548422399, gnomAD 0.06%). This variant has not been reported in the literature in individuals affected with GAD1-related conditions. ClinVar contains an entry for this variant (Variation ID: 1706356). An algorithm developed to predict the effect of missense changes on protein structure and function (PolyPhen-2) suggests that this variant is likely to be disruptive. In summary, the available evidence is currently insufficient to determine the role of this variant in disease. Therefore, it has been classified as a Variant of Uncertain Significance.

GeneDx
Classification: Uncertain significance. Last evaluated: 2022-03-14. Review status: criteria provided, single submitter. Criteria: GeneDx Variant Classification Process June 2021. Collection method: clinical testing. Allele origin: germline. Affected: yes.
Comment: In silico analysis supports that this missense variant has a deleterious effect on protein structure/function; Has not been previously published as pathogenic or benign to our knowledge

Ambry Genetics
Classification: Uncertain significance for Inborn genetic diseases. Last evaluated: 2021-07-08. Review status: criteria provided, single submitter. Criteria: Ambry Variant Classification Scheme 2023. Collection method: clinical testing. Allele origin: germline.

NM_000817.3(GAD1):c.184C>T (p.Arg62Cys)

Gene: GAD1 (glutamate decarboxylase 1; plus strand). Cytogenetic location: 2q31.1.
Variant type: single nucleotide variant.
Coding change: c.184C>T on transcript NM_000817.3 (MANE Select); coding-DNA position 184, C replaced by T.
Protein change: p.Arg62Cys; replaces arginine 62 with cysteine.
Molecular consequence: missense variant.
Genome position (GRCh38, 1-based): chr2:170,829,513, C>T. VCF-style: chr2-170829513-C-T. GRCh37 (hg19) VCF-style: chr2-171686023-C-T.
Other names: c.184C>T, p.Arg62Cys (NM_013445.4); short protein forms R62C.
Identifiers: ClinVar variation 1706356 (VCV001706356.6), dbSNP rs548422399, ClinGen allele CA1962551.